The following is an entry in ClinVar:

NM_058246.4(DNAJB6):c.476C>A (p.Thr159Lys)

Gene: DNAJB6 (DnaJ heat shock protein family (Hsp40) member B6; plus strand). Cytogenetic location: 7q36.3.
Variant type: single nucleotide variant.
Coding change: c.476C>A on transcript NM_058246.4 (MANE Select); coding-DNA position 476, C replaced by A.
Protein change: p.Thr159Lys; replaces threonine 159 with lysine.
Molecular consequence: missense variant. On other transcripts: intron variant (1).
Genome position (GRCh38, 1-based): chr7:157,382,375, C>A. VCF-style: chr7-157382375-C-A. GRCh37 (hg19) VCF-style: chr7-157175069-C-A.
Other names: c.476C>A, p.Thr159Lys (NM_005494.3); c.346+14892C>A (NM_001363676.1); short protein forms T159K.
Identifiers: ClinVar variation 2732529 (VCV002732529.3), dbSNP rs199651553, ClinGen allele CA370166566.

ClinVar aggregate classification (germline): Uncertain significance (1 of 4 stars; one submission).

Conditions:
Autosomal dominant limb-girdle muscular dystrophy type 1D (DNAJB6) (LGMDD1). Also called: MUSCULAR DYSTROPHY, LIMB-GIRDLE, TYPE 1D; MUSCULAR DYSTROPHY, AUTOSOMAL DOMINANT, WITH RIMMED VACUOLES; Autosomal dominant limb-girdle muscular dystrophy type 1D; Muscular dystrophy, limb-girdle, autosomal dominant 1. Identifiers: Orphanet 34516, MedGen C4721885, MONDO:0021018, OMIM 603511.

Submission:

Labcorp Genetics (formerly Invitae), Labcorp
Classification: Uncertain significance for Autosomal dominant limb-girdle muscular dystrophy type 1D (DNAJB6). Last evaluated: 2025-08-12. Review status: criteria provided, single submitter. Criteria: Invitae Variant Classification Sherloc (09022015). Collection method: clinical testing. Allele origin: germline.
Comment: This sequence change replaces threonine, which is neutral and polar, with lysine, which is basic and polar, at codon 159 of the DNAJB6 protein (p.Thr159Lys). The frequency data for this variant in the population databases is considered unreliable, as metrics indicate poor data quality at this position in the gnomAD database. This variant has not been reported in the literature in individuals affected with DNAJB6-related conditions. ClinVar contains an entry for this variant (Variation ID: 2732529). An algorithm developed to predict the effect of missense changes on protein structure and function (PolyPhen-2) suggests that this variant is likely to be tolerated. In summary, the available evidence is currently insufficient to determine the role of this variant in disease. Therefore, it has been classified as a Variant of Uncertain Significance.